The following is an entry in ClinVar:

NM_024592.5(SRD5A3):c.110C>T (p.Pro37Leu)

Gene: SRD5A3 (steroid 5 alpha-reductase 3; plus strand). Cytogenetic location: 4q12.
Variant type: single nucleotide variant.
Coding change: c.110C>T on transcript NM_024592.5 (MANE Select); coding-DNA position 110, C replaced by T.
Protein change: p.Pro37Leu; replaces proline 37 with leucine.
Molecular consequence: missense variant.
Genome position (GRCh38, 1-based): chr4:55,346,446, C>T. VCF-style: chr4-55346446-C-T. GRCh37 (hg19) VCF-style: chr4-56212613-C-T.
Other names: short protein forms P37L.
Identifiers: ClinVar variation 349006 (VCV000349006.21), dbSNP rs199975696, ClinGen allele CA2925208.

ClinVar aggregate classification (germline): Conflicting classifications of pathogenicity. Review status: criteria provided, conflicting classifications (1 of 4 stars). 5 submissions from 5 submitters: Uncertain significance (1); Benign (1); Likely benign (2). 1 of the submissions does not count toward it. Last evaluated 2026-01-26.

Conditions:
SRD5A3-related disorder. Also called: SRD5A3-Related Disorders; SRD5A3-related condition.
SRD5A3-congenital disorder of glycosylation. Also called: SRD5A3-CDG; Congenital disorder of glycosylation type 1Q; COLOBOMA, OCULAR, WITH ICHTHYOSIS, BRAIN MALFORMATIONS, AND ENDOCRINE ABNORMALITIES; CDG Iq; Ocular colobomas, ichthyosis, brain malformations and endocrine abnormalities. Identifiers: Orphanet 324737, MedGen C4317224, MONDO:0012885, OMIM 612379.

Allele frequency attached by ClinVar (database versions not stated): gnomAD exomes 0.00020; ExAC 0.00032; 1000 Genomes Project 30x 0.00047; 1000 Genomes Project 0.00060; ESP Exome Variant Server 0.00087; gnomAD 0.00103 and 0.00114; TOPMed 0.00122.
gnomAD v4.1: 289 of 1,606,870 alleles (0.018%); highest among the groups gnomAD compares: African/African-American, 0.36%; no homozygotes.

Submissions (5):

Labcorp Genetics (formerly Invitae), Labcorp
Classification: Likely benign for SRD5A3-congenital disorder of glycosylation. Last evaluated: 2026-01-26. Review status: criteria provided, single submitter. Criteria: Invitae Variant Classification Sherloc (09022015). Collection method: clinical testing. Allele origin: germline.

Blueprint Genetics
Classification: Benign. Last evaluated: 2022-12-15. Review status: criteria provided, single submitter. Criteria: ACMG Guidelines, 2015. Collection method: clinical testing. Allele origin: germline.

GeneDx
Classification: Likely benign. Last evaluated: 2019-06-25. Review status: criteria provided, single submitter. Criteria: GeneDx Variant Classification Process June 2021. Collection method: clinical testing. Allele origin: germline. Affected: yes.
Comment: In silico analysis, which includes protein predictors and evolutionary conservation, supports that this variant does not alter protein structure/function; Has not been previously published as pathogenic or benign to our knowledge

Illumina Laboratory Services, Illumina
Classification: Uncertain significance for SRD5A3-congenital disorder of glycosylation. Last evaluated: 2018-01-12. Review status: criteria provided, single submitter. Criteria: ICSL Variant Classification Criteria 13 December 2019. Collection method: clinical testing. Allele origin: germline.

PreventionGenetics, part of Exact Sciences
Classification: Likely benign for SRD5A3-related condition. Last evaluated: 2023-06-23. Review status: no assertion criteria provided. Collection method: clinical testing. Allele origin: germline. Not counted in ClinVar's aggregate classification.
Comment: This variant is classified as likely benign based on ACMG/AMP sequence variant interpretation guidelines (Richards et al. 2015 PMID: 25741868, with internal and published modifications).